The following is an entry in ClinVar:

ClinVar aggregate classification (germline): Conflicting classifications of pathogenicity. Review status: criteria provided, conflicting classifications (1 of 4 stars). 7 submissions from 5 submitters: Uncertain significance (3); Likely benign (4). Last evaluated 2026-07-01.

Conditions:
Insulin-resistant diabetes mellitus AND acanthosis nigricans. Also called: Insulin-resistance syndrome type A; DIABETES MELLITUS, INSULIN-RESISTANT, WITH ACANTHOSIS NIGRICANS, TYPE A; type A insulin resistance; INSULIN RECEPTOR, DEFECT IN, WITH INSULIN-RESISTANT DIABETES MELLITUS AND ACANTHOSIS NIGRICANS; IRAN, TYPE A. Identifiers: Orphanet 2297, MedGen C0342278, MONDO:0012520, OMIM 610549.
Leprechaunism syndrome. Also called: Donohue syndrome; LEPRECHAUNISM. Identifiers: Orphanet 508, MedGen C0265344, MONDO:0009517, OMIM 246200.
Rabson-Mendenhall syndrome. Also called: MENDENHALL SYNDROME; Pineal Hyperplasia, Insulin-Resistant Diabetes Mellitus, and Somatic Abnormalities; Pineal hyperplasia AND diabetes mellitus syndrome. Identifiers: Orphanet 769, MedGen C0271695, MONDO:0009874, OMIM 262190.
Hyperinsulinism due to INSR deficiency. Also called: Hyperinsulinism due to glutamodehydrogenase deficiency. Identifiers: Orphanet 263458, MedGen C1864952, MONDO:0012381, OMIM 609968.

Allele frequency attached by ClinVar (database versions not stated): ExAC 0.00007; ESP Exome Variant Server 0.00008; TOPMed 0.00008; gnomAD exomes 0.00010 and 0.00013; gnomAD 0.00011.
gnomAD v4.1: 166 of 1,614,032 alleles (0.01%); highest among the groups gnomAD compares: Admixed American, 0.032%; no homozygotes.

Submissions (7):

CeGaT Center for Human Genetics Tuebingen
Classification: Likely benign. Last evaluated: 2026-07-01. Review status: criteria provided, single submitter. Criteria: CeGaT Center For Human Genetics Tuebingen Variant Classification Criteria Version 2. Collection method: clinical testing. Allele origin: germline. Affected: yes. Observed: 1 variant allele.
Comment: INSR: BP4, BP7

Labcorp Genetics (formerly Invitae), Labcorp
Classification: Likely benign. Last evaluated: 2025-08-11. Review status: criteria provided, single submitter. Criteria: Invitae Variant Classification Sherloc (09022015). Collection method: clinical testing. Allele origin: germline.

Illumina Laboratory Services, Illumina
Classification: Uncertain significance for Rabson-Mendenhall syndrome. Last evaluated: 2018-01-12. Review status: criteria provided, single submitter. Criteria: ICSL Variant Classification Criteria 13 December 2019. Collection method: clinical testing. Allele origin: germline.

Illumina Laboratory Services, Illumina
Classification: Uncertain significance for Leprechaunism syndrome. Last evaluated: 2018-01-12. Review status: criteria provided, single submitter. Criteria: ICSL Variant Classification Criteria 13 December 2019. Collection method: clinical testing. Allele origin: germline.

Illumina Laboratory Services, Illumina
Classification: Uncertain significance for Insulin-resistant diabetes mellitus AND acanthosis nigricans. Last evaluated: 2018-01-12. Review status: criteria provided, single submitter. Criteria: ICSL Variant Classification Criteria 13 December 2019. Collection method: clinical testing. Allele origin: germline.

Genetic Services Laboratory, University of Chicago
Classification: Likely benign. Last evaluated: 2016-09-01. Review status: criteria provided, single submitter. Criteria: ACMG Guidelines, 2015. Collection method: clinical testing. Allele origin: germline. Affected: no.

Clinical Genomics, Uppaluri K&H Personalized Medicine Clinic
Classification: Likely benign for Hyperinsulinism due to INSR deficiency. Review status: criteria provided, single submitter. Criteria: K And H Uppaluri Personalized Medicine Clinic Variant Classification And Assertion Criteria Updated V 2. Collection method: research. Allele origin: unknown. Inheritance: Autosomal dominant inheritance.
Comment: Potent mutations in INSR gene can lead to insulin resistance, which presents as impaired glucose tolerance, early onset type 2 diabetes, post prandial hyperglycemia and increased insulin requirement in type 1 diabetes. These mutations in INSR gene can also predispose to coronary artery disease, metabolic syndrome, polycystic ovarian disease and non alcoholic fatty liver disease.However, the role of this particular variant rs41352749 with early onset diabetes mellitus is yet to be ascertained.

Literature cited by the submitters: PubMed 35000900 (cited by Clinical Genomics, Uppaluri K&H Personalized Medicine Clinic); PubMed 31989990 (cited by Clinical Genomics, Uppaluri K&H Personalized Medicine Clinic); PubMed 23705494 (cited by Clinical Genomics, Uppaluri K&H Personalized Medicine Clinic).

NM_000208.4(INSR):c.225C>T (p.Asp75=)

Gene: INSR (insulin receptor; minus strand). Cytogenetic location: 19p13.2.
Variant type: single nucleotide variant.
Coding change: c.225C>T on transcript NM_000208.4 (MANE Select); coding-DNA position 225, C replaced by T.
Protein change: p.Asp75=; no amino-acid change (aspartic acid 75 retained).
Molecular consequence: synonymous variant.
Genome position (GRCh38, 1-based): chr19:7,267,772, G>A on the plus strand (C>T on the coding strand, the complement: INSR is on the minus strand). VCF-style: chr19-7267772-G-A. GRCh37 (hg19) VCF-style: chr19-7267783-G-A.
Other names: c.225C>T, p.Asp75= (NM_001079817.3).
Identifiers: ClinVar variation 435514 (VCV000435514.18), dbSNP rs41352749, ClinGen allele CA9136151.